The following is an entry in ClinVar:

NM_022124.5(CDH23):c.[7762G>C;7764G>T]

Variant type: Haplotype.
Identifiers: ClinVar variation 517258 (VCV000517258.4).

ClinVar aggregate classification (germline): Uncertain significance (1 of 4 stars; one submission).

Submission:

Laboratory for Molecular Medicine, Mass General Brigham Personalized Medicine
Classification: Uncertain significance. Last evaluated: 2017-01-24. Review status: criteria provided, single submitter. Criteria: LMM Criteria. Collection method: clinical testing. Allele origin: germline. Observed: 1 variant allele.
Comment: Variant classified as Uncertain Significance - Favor Benign. The p.Glu2588His va riant in CDH23 results from the benign c.7762G>C variant and the c.7764G>T varia nt of uncertain significance. These two single nucleotide variants were determi ned to be in cis using NGS read data, and they affect the same codon, resulting in a glutamic acid to a histidine alteration at position 2588. The c.7762G>C va riant is present in 2.9% (283/9860) of South Asian chromosomes by the Exome Aggr egation Consortium (ExAC; dbSNP rs41281338); how ever, the c.7764G>T variant has not been identified in large population studies. The glutamic acid at position 2588 is not conserved through mammals or evolutio nary distant species, with >10 bird species having a histidine at this position. In summary, while the clinical significance of the p.Glu2588His variant is unc ertain, the conservation data suggest that it is more likely to be benign.